The following is an entry in ClinVar:

NM_001184.4(ATR):c.5896A>C (p.Lys1966Gln)

Gene: ATR (ATR checkpoint kinase; minus strand). Cytogenetic location: 3q23.
Variant type: single nucleotide variant.
Coding change: c.5896A>C on transcript NM_001184.4 (MANE Select); coding-DNA position 5896, A replaced by C.
Protein change: p.Lys1966Gln; replaces lysine 1966 with glutamine.
Molecular consequence: missense variant.
Genome position (GRCh38, 1-based): chr3:142,496,363, T>G on the plus strand (A>C on the coding strand, the complement: ATR is on the minus strand). VCF-style: chr3-142496363-T-G. GRCh37 (hg19) VCF-style: chr3-142215205-T-G.
Other names: c.5704A>C, p.Lys1902Gln (NM_001354579.2); short protein forms K1902Q, K1966Q.
Identifiers: ClinVar variation 1750337 (VCV001750337.2), dbSNP rs904443343, ClinGen allele CA84760188.

ClinVar aggregate classification (germline): Uncertain significance (1 of 4 stars; one submission).

Conditions:
Inborn genetic diseases. Identifiers: MedGen C0950123, MeSH D030342.

Allele frequency attached by ClinVar (database versions not stated): gnomAD exomes below 0.00001.
gnomAD v4.1: 2 of 1,516,726 alleles (0.00013%); highest among the groups gnomAD compares: South Asian, 0.0011%; no homozygotes.

Submission:

Ambry Genetics
Classification: Uncertain significance for Inborn genetic diseases. Last evaluated: 2021-12-24. Review status: criteria provided, single submitter. Criteria: Ambry Variant Classification Scheme 2023. Collection method: clinical testing. Allele origin: germline.
Comment: The p.K1966Q variant (also known as c.5896A>C), located in coding exon 34 of the ATR gene, results from an A to C substitution at nucleotide position 5896. The lysine at codon 1966 is replaced by glutamine, an amino acid with similar properties. This amino acid position is conserved. In addition, this alteration is predicted to be tolerated by in silico analysis. Since supporting evidence is limited at this time, the clinical significance of this alteration remains unclear.